The following is an entry in ClinVar:

ClinVar aggregate classification (germline): Uncertain significance. Review status: criteria provided, multiple submitters, no conflicts (2 of 4 stars). 4 submissions from 4 submitters: Uncertain significance (3). 1 of the submissions does not count toward it. Last evaluated 2024-11-27.

Conditions:
Cardiovascular phenotype. Identifiers: MedGen CN230736.
Duchenne muscular dystrophy (DMD). Also called: MUSCULAR DYSTROPHY, PSEUDOHYPERTROPHIC PROGRESSIVE, DUCHENNE TYPE; Duchenne Muscular Dystrophy (DMD). Identifiers: Orphanet 98896, MedGen C0013264, MONDO:0010679, OMIM 310200.
Dystrophin deficiency.
Becker muscular dystrophy (BMD). Also called: MUSCULAR DYSTROPHY, PSEUDOHYPERTROPHIC PROGRESSIVE, BECKER TYPE; Becker Muscular Dystrophy (BMD). Identifiers: Orphanet 98895, MedGen C0917713, MONDO:0010311, OMIM 300376.
Cardiomyopathy (CMYO). Also called: Cardiomyopathies. Identifiers: Orphanet 167848, MedGen C0878544, MONDO:0004994, HP:0001638. Inheritance: Various modes of inheritance.
Dilated cardiomyopathy 3B (CMD3B). Also called: CMD3B: DMD-Related Dilated Cardiomyopathy; CARDIOMYOPATHY, DILATED, X-LINKED; DMD-Associated Dilated Cardiomyopathy. Identifiers: Orphanet 154, MedGen C3668940, MONDO:0010542, OMIM 302045.

Allele frequency attached by ClinVar (database versions not stated): TOPMed below 0.00001; gnomAD 0.00001; ESP Exome Variant Server 0.00009.
gnomAD v4.1: 4 of 1,208,133 alleles (0.00033%); highest among the groups gnomAD compares: Middle Eastern, 0.023%; no homozygotes.

Submissions (4):

Labcorp Genetics (formerly Invitae), Labcorp
Classification: Uncertain significance for Duchenne muscular dystrophy. Last evaluated: 2024-11-27. Review status: criteria provided, single submitter. Criteria: Invitae Variant Classification Sherloc (09022015). Collection method: clinical testing. Allele origin: germline.
Comment: This sequence change replaces serine, which is neutral and polar, with arginine, which is basic and polar, at codon 800 of the DMD protein (p.Ser800Arg). The frequency data for this variant in the population databases is considered unreliable, as metrics indicate poor data quality at this position in the gnomAD database. This variant has not been reported in the literature in individuals affected with DMD-related conditions. ClinVar contains an entry for this variant (Variation ID: 1001786). Invitae Evidence Modeling of protein sequence and biophysical properties (such as structural, functional, and spatial information, amino acid conservation, physicochemical variation, residue mobility, and thermodynamic stability) indicates that this missense variant is not expected to disrupt DMD protein function with a negative predictive value of 95%. In summary, the available evidence is currently insufficient to determine the role of this variant in disease. Therefore, it has been classified as a Variant of Uncertain Significance.

Fulgent Genetics
Classification: Uncertain significance for Becker muscular dystrophy; Dilated cardiomyopathy 3B; Duchenne muscular dystrophy. Last evaluated: 2024-03-05. Review status: criteria provided, single submitter. Criteria: ACMG Guidelines, 2015. Collection method: clinical testing. Allele origin: germline.

Ambry Genetics
Classification: Uncertain significance for Cardiovascular phenotype. Last evaluated: 2022-05-02. Review status: criteria provided, single submitter. Criteria: Ambry Variant Classification Scheme 2023. Collection method: clinical testing. Allele origin: germline.
Comment: The p.S800R variant (also known as c.2400C>A), located in coding exon 20 of the DMD gene, results from a C to A substitution at nucleotide position 2400. The serine at codon 800 is replaced by arginine, an amino acid with dissimilar properties. Based on data from gnomAD, the A allele has an overall frequency of 0.0006% (1/179395) total alleles studied, with no hemizygotes observed. The highest observed frequency was 0.008% (1/12966) of African/African American alleles. This amino acid position is well conserved in available vertebrate species. In addition, this alteration is predicted to be tolerated by in silico analysis. Since supporting evidence is limited at this time, the clinical significance of this alteration remains unclear.

Natera, Inc.
Classification: Uncertain significance for Becker muscular dystrophy; Cardiomyopathy; Duchenne muscular dystrophy; Dystrophin deficiency. Last evaluated: 2018-10-31. Review status: no assertion criteria provided. Collection method: clinical testing. Allele origin: germline. Not counted in ClinVar's aggregate classification.

NM_004006.3(DMD):c.2400C>A (p.Ser800Arg)

Gene: DMD (dystrophin; minus strand). Cytogenetic location: Xp21.1.
Variant type: single nucleotide variant.
Coding change: c.2400C>A on transcript NM_004006.3 (MANE Select); coding-DNA position 2400, C replaced by A.
Protein change: p.Ser800Arg; replaces serine 800 with arginine.
Molecular consequence: missense variant.
Genome position (GRCh38, 1-based): chrX:32,491,499, G>T on the plus strand (C>A on the coding strand, the complement: DMD is on the minus strand). VCF-style: chrX-32491499-G-T. GRCh37 (hg19) VCF-style: chrX-32509616-G-T.
Other names: c.2376C>A, p.Ser792Arg (NM_000109.4); c.2388C>A, p.Ser796Arg (NM_004009.3); c.2031C>A, p.Ser677Arg (NM_004010.3); c.2400C>A (NM_004006.2); short protein forms S677R, S792R, S796R, S800R.
Identifiers: ClinVar variation 1001786 (VCV001001786.8), dbSNP rs142115986, ClinGen allele CA10379521.